The following is an entry in ClinVar:

ClinVar aggregate classification (germline): Benign/Likely benign. Review status: criteria provided, multiple submitters, no conflicts (2 of 4 stars). 5 submissions from 5 submitters: Benign (2); Likely benign (2). 1 of the submissions does not count toward it. Last evaluated 2026-09-01.

Conditions:
COG2-related disorder. Also called: COG2-related condition.
Congenital disorder of glycosylation, type IIq. Also called: CDG IIq. Identifiers: Orphanet 435934, MedGen C4479353, MONDO:0054559, OMIM 617395.

Allele frequency attached by ClinVar (database versions not stated): 1000 Genomes Project 30x 0.00281; 1000 Genomes Project 0.00359; TOPMed 0.00539; gnomAD 0.00653 and 0.00660; ESP Exome Variant Server 0.00700.
gnomAD v4.1: 14,412 of 1,614,050 alleles (0.89%); highest among the groups gnomAD compares: South Asian, 1.2%; 94 homozygotes.

Submissions (5):

CeGaT Center for Human Genetics Tuebingen
Classification: Benign. Last evaluated: 2026-09-01. Review status: criteria provided, single submitter. Criteria: CeGaT Center For Human Genetics Tuebingen Variant Classification Criteria Version 2. Collection method: clinical testing. Allele origin: germline. Affected: yes. Observed: 7 variant alleles.
Comment: COG2: BP4, BP7, BS1, BS2

Labcorp Genetics (formerly Invitae), Labcorp
Classification: Benign for Congenital disorder of glycosylation, type IIq. Last evaluated: 2025-12-17. Review status: criteria provided, single submitter. Criteria: Invitae Variant Classification Sherloc (09022015). Collection method: clinical testing. Allele origin: germline.

GeneDx
Classification: Likely benign. Last evaluated: 2019-09-06. Review status: criteria provided, single submitter. Criteria: GeneDx Variant Classification Process June 2021. Collection method: clinical testing. Allele origin: germline. Affected: yes.

Breakthrough Genomics
Classification: Likely benign. Review status: criteria provided, single submitter. Criteria: ACMG Guidelines, 2015. Collection method: not provided. Allele origin: germline. Inheritance: Autosomal recessive inheritance. Affected: yes.

PreventionGenetics, part of Exact Sciences
Classification: Benign for COG2-related condition. Last evaluated: 2024-08-22. Review status: no assertion criteria provided. Collection method: clinical testing. Allele origin: germline. Not counted in ClinVar's aggregate classification.
Comment: This variant is classified as benign based on ACMG/AMP sequence variant interpretation guidelines (Richards et al. 2015 PMID: 25741868, with internal and published modifications).

NM_007357.3(COG2):c.708G>A (p.Thr236=)

Gene: COG2 (component of oligomeric golgi complex 2; plus strand). Cytogenetic location: 1q42.2.
Variant type: single nucleotide variant.
Coding change: c.708G>A on transcript NM_007357.3 (MANE Select); coding-DNA position 708, G replaced by A.
Protein change: p.Thr236=; no amino-acid change (threonine 236 retained).
Molecular consequence: synonymous variant.
Genome position (GRCh38, 1-based): chr1:230,669,469, G>A. VCF-style: chr1-230669469-G-A. GRCh37 (hg19) VCF-style: chr1-230805215-G-A.
Other names: c.708G>A, p.Thr236= (NM_001145036.2).
Identifiers: ClinVar variation 774284 (VCV000774284.35), dbSNP rs34010781, ClinGen allele CA1447509.